The following is an entry in ClinVar:

ClinVar aggregate classification (germline): Conflicting classifications of pathogenicity. Review status: criteria provided, conflicting classifications (1 of 4 stars). 6 submissions from 6 submitters: Uncertain significance (1); Likely benign (5). Last evaluated 2025-03-05.

Conditions:
Ehlers-Danlos syndrome, dermatosparaxis type. Also called: Dermatosparaxis; Ehlers-Danlos syndrome, type VII, autosomal recessive; EDS VIIC. Identifiers: Orphanet 1901, MedGen C2700425, MONDO:0009161, OMIM 225410.
Ehlers-Danlos syndrome (EDS). Identifiers: Orphanet 98249, MedGen C0013720, MONDO:0020066.

Submissions (6):

Mayo Clinic Laboratories, Mayo Clinic
Classification: Likely benign. Last evaluated: 2025-03-05. Review status: criteria provided, single submitter. Criteria: ACMG Guidelines, 2015. Collection method: clinical testing. Allele origin: germline. Observed: 2 variant alleles.
Comment: BP3, BP4

Blueprint Genetics
Classification: Likely benign. Last evaluated: 2024-10-17. Review status: criteria provided, single submitter. Criteria: ACMG Guidelines, 2015. Collection method: clinical testing. Allele origin: germline.

CeGaT Center for Human Genetics Tuebingen
Classification: Likely benign. Last evaluated: 2023-10-01. Review status: criteria provided, single submitter. Criteria: CeGaT Center For Human Genetics Tuebingen Variant Classification Criteria Version 2. Collection method: clinical testing. Allele origin: germline. Affected: yes. Observed: 1 variant allele.
Comment: ADAMTS2: BS2

GeneDx
Classification: Likely benign. Last evaluated: 2022-12-08. Review status: criteria provided, single submitter. Criteria: GeneDx Variant Classification Process June 2021. Collection method: clinical testing. Allele origin: germline. Affected: yes.
Comment: See Variant Classification Assertion Criteria.

Labcorp Genetics (formerly Invitae), Labcorp
Classification: Uncertain significance for Ehlers-Danlos syndrome, dermatosparaxis type. Last evaluated: 2022-08-21. Review status: criteria provided, single submitter. Criteria: Invitae Variant Classification Sherloc (09022015). Collection method: clinical testing. Allele origin: germline.
Comment: This variant, c.65_70dup, results in the insertion of 2 amino acid(s) of the ADAMTS2 protein (p.Leu22_Leu23dup), but otherwise preserves the integrity of the reading frame. The frequency data for this variant in the population databases is considered unreliable, as metrics indicate poor data quality at this position in the gnomAD database. This variant has not been reported in the literature in individuals affected with ADAMTS2-related conditions. ClinVar contains an entry for this variant (Variation ID: 506736). Experimental studies and prediction algorithms are not available or were not evaluated, and the functional significance of this variant is currently unknown. In summary, the available evidence is currently insufficient to determine the role of this variant in disease. Therefore, it has been classified as a Variant of Uncertain Significance.

Genome Diagnostics Laboratory, The Hospital for Sick Children
Classification: Likely benign for Ehlers-Danlos syndrome. Last evaluated: 2021-03-11. Review status: criteria provided, single submitter. Criteria: ACMG Guidelines, 2015. Collection method: clinical testing. Allele origin: germline.

NM_014244.5(ADAMTS2):c.47TGC[10] (p.Leu22_Leu23dup)

Gene: ADAMTS2 (ADAM metallopeptidase with thrombospondin type 1 motif 2; minus strand). Cytogenetic location: 5q35.3.
Variant type: Microsatellite.
Coding change: c.47TGC[10] on transcript NM_014244.5 (MANE Select); ten copies in a row of the 3-base unit TGC starting at c.47; the reference has eight copies in a row; two copies, 6 bases duplicated; also written c.65_70dup.
Protein change: p.Leu22_Leu23dup.
Molecular consequence: inframe insertion.
Genome position (GRCh38, 1-based): chr5:179,345,259-179,345,264, GCAGCA duplicated on the plus strand (TGCTGC on the coding strand, the reverse complement: ADAMTS2 is on the minus strand); duplicating any 6 consecutive bases within chr5:179,345,259-179,345,284 gives the same sequence; the position shown is the placement nearest the transcript's 3' end. VCF-style (leftmost placement, unchanged base first): chr5-179345258-G-GGCAGCA. GRCh37 (hg19) VCF-style: chr5-178772259-G-GGCAGCA.
Other names: p.Leu22_Leu23dup; c.47TGC[10], p.Leu22_Leu23dup (NM_021599.4); c.65_70dup (NM_014244.5).
Identifiers: ClinVar variation 506736 (VCV000506736.36), dbSNP rs568040559, ClinGen allele CA448237004.
Genomic context (GRCh38, chr5:179,345,258, plus strand): 5'-TCGGCGGCGGCGGCGAGCCTGGCGTTCGCGGGCGGCGGCGGCGGCGGCAGGAGCGGCGGC[G>GGCAGCA]GCAGCAGCAGCAGCAGCAGCAGCAGCGCGGGGCAGAGCAGGCGGCGAGCGGCTCCCGCCG-3'